The following is an entry in ClinVar:

NM_001042492.3(NF1):c.4334dup (p.Leu1446fs)

Gene: NF1 (neurofibromin 1; plus strand). Cytogenetic location: 17q11.2.
Variant type: Duplication.
Coding change: c.4334dup on transcript NM_001042492.3 (MANE Select); coding-DNA position 4334, one base duplicated (T; older notation c.4334dupT).
Protein change: p.Leu1446fs; shifts the reading frame from leucine 1446.
Molecular consequence: frameshift variant.
Genome position (GRCh38, 1-based): chr17:31,259,033, T duplicated. VCF-style (leftmost placement, unchanged base first): chr17-31259032-A-AT. GRCh37 (hg19) VCF-style: chr17-29586050-A-AT.
Other names: c.4271dup, p.Leu1425Thrfs (NM_000267.4); short protein forms L1425fs, L1446fs.
Identifiers: ClinVar variation 1438926 (VCV001438926.6), dbSNP rs2151462945, ClinGen allele CA2573153622.

ClinVar aggregate classification (germline): Pathogenic (1 of 4 stars; one submission).

Conditions:
Neurofibromatosis, type 1 (NF1). Also called: Peripheral type neurofibromatosis; VON RECKLINGHAUSEN DISEASE; NEUROFIBROMATOSIS, TYPE I, SOMATIC; Neurofibromatosis, type I. Identifiers: Orphanet 636, MedGen C0027831, MONDO:0018975, OMIM 162200. Disease mechanism: loss of function.

Submission:

Labcorp Genetics (formerly Invitae), Labcorp
Classification: Pathogenic for Neurofibromatosis, type 1. Last evaluated: 2021-03-11. Review status: criteria provided, single submitter. Criteria: Invitae Variant Classification Sherloc (09022015). Collection method: clinical testing. Allele origin: germline.
Comment: For these reasons, this variant has been classified as Pathogenic. This variant has not been reported in the literature in individuals with NF1-related conditions. This variant is not present in population databases (ExAC no frequency). This sequence change creates a premature translational stop signal (p.Leu1425Thrfs*21) in the NF1 gene. It is expected to result in an absent or disrupted protein product. Loss-of-function variants in NF1 are known to be pathogenic (PMID: 10712197, 23913538).

Literature cited by the submitters: PubMed 10712197; PubMed 23913538.